The following is an entry in ClinVar:

NM_017617.5(NOTCH1):c.3063T>A (p.Asp1021Glu)

Gene: NOTCH1 (notch receptor 1; minus strand). Cytogenetic location: 9q34.3.
Variant type: single nucleotide variant.
Coding change: c.3063T>A on transcript NM_017617.5 (MANE Select); coding-DNA position 3063, T replaced by A.
Protein change: p.Asp1021Glu; replaces aspartic acid 1021 with glutamic acid.
Molecular consequence: missense variant.
Genome position (GRCh38, 1-based): chr9:136,508,978, A>T on the plus strand (T>A on the coding strand, the complement: NOTCH1 is on the minus strand). VCF-style: chr9-136508978-A-T. GRCh37 (hg19) VCF-style: chr9-139403430-A-T.
Other names: short protein forms D1021E.
Identifiers: ClinVar variation 3921064 (VCV003921064.2).

ClinVar aggregate classification (germline): Uncertain significance. Review status: criteria provided, multiple submitters, no conflicts (2 of 4 stars). 2 submissions from 2 submitters: Uncertain significance (2). Last evaluated 2025-06-01.

Conditions:
Familial thoracic aortic aneurysm and aortic dissection (TAAD). Also called: Thoracic aortic aneurysms and dissections. Identifiers: Orphanet 91387, MedGen C4707243, MONDO:0019625.
Adams-Oliver syndrome 5 (AOS5). Identifiers: Orphanet 974, MedGen C4014970, MONDO:0014459, OMIM 616028.

Submissions (2):

Ambry Genetics
Classification: Uncertain significance for Familial thoracic aortic aneurysm and aortic dissection. Last evaluated: 2025-06-01. Review status: criteria provided, single submitter. Criteria: Ambry Variant Classification Scheme 2023. Collection method: clinical testing. Allele origin: germline.
Comment: The p.D1021E variant (also known as c.3063T>A), located in coding exon 19 of the NOTCH1 gene, results from a T to A substitution at nucleotide position 3063. The aspartic acid at codon 1021 is replaced by glutamic acid, an amino acid with highly similar properties. This amino acid position is conserved. In addition, this alteration is predicted to be tolerated by in silico analysis. Based on the available evidence, the clinical significance of this variant remains unclear.

Labcorp Genetics (formerly Invitae), Labcorp
Classification: Uncertain significance for Adams-Oliver syndrome 5. Last evaluated: 2025-03-07. Review status: criteria provided, single submitter. Criteria: Invitae Variant Classification Sherloc (09022015). Collection method: clinical testing. Allele origin: germline.
Comment: This sequence change replaces aspartic acid, which is acidic and polar, with glutamic acid, which is acidic and polar, at codon 1021 of the NOTCH1 protein (p.Asp1021Glu). This variant is not present in population databases (gnomAD no frequency). This variant has not been reported in the literature in individuals affected with NOTCH1-related conditions. Invitae Evidence Modeling of protein sequence and biophysical properties (such as structural, functional, and spatial information, amino acid conservation, physicochemical variation, residue mobility, and thermodynamic stability) indicates that this missense variant is not expected to disrupt NOTCH1 protein function with a negative predictive value of 80%. In summary, the available evidence is currently insufficient to determine the role of this variant in disease. Therefore, it has been classified as a Variant of Uncertain Significance.